The following is an entry in ClinVar:

NM_000455.5(STK11):c.945G>T (p.Pro315=)

Gene: STK11 (serine/threonine kinase 11; plus strand). Cytogenetic location: 19p13.3.
Variant type: single nucleotide variant.
Coding change: c.945G>T on transcript NM_000455.5 (MANE Select); coding-DNA position 945, G replaced by T.
Protein change: p.Pro315=; no amino-acid change (proline 315 retained).
Molecular consequence: synonymous variant.
Genome position (GRCh38, 1-based): chr19:1,223,009, G>T. VCF-style: chr19-1223009-G-T. GRCh37 (hg19) VCF-style: chr19-1223008-G-T.
Identifiers: ClinVar variation 922067 (VCV000922067.13), dbSNP rs376329042, ClinGen allele CA504707728.

ClinVar aggregate classification (germline): Benign/Likely benign. Review status: criteria provided, multiple submitters, no conflicts (2 of 4 stars). 4 submissions from 4 submitters: Benign (1); Likely benign (3). Last evaluated 2025-03-28.

Conditions:
Hereditary cancer-predisposing syndrome. Also called: Hereditary Cancer Syndrome; Hereditary neoplastic syndrome; Neoplastic Syndromes, Hereditary; Tumor predisposition. Identifiers: Orphanet 140162, MedGen C0027672, MeSH D009386, MONDO:0015356.
Peutz-Jeghers syndrome (PJS). Also called: POLYPOSIS, HAMARTOMATOUS INTESTINAL; POLYPS-AND-SPOTS SYNDROME; Peutz-Jeghers polyposis; Periorificial lentiginosis syndrome. Identifiers: Orphanet 2869, MedGen C0031269, MeSH D010580, MONDO:0008280, OMIM 175200.

gnomAD v4.1: 1 of 1,571,576 alleles (0.000064%); highest among the groups gnomAD compares: Non-Finnish European, 0.000086%; no homozygotes.

Submissions (4):

Myriad Genetics, Inc.
Classification: Benign for Peutz-Jeghers syndrome. Last evaluated: 2025-03-28. Review status: criteria provided, single submitter. Criteria: Myriad Autosomal Dominant, Autosomal Recessive and X-Linked Classification Criteria (2023). Collection method: clinical testing. Allele origin: unknown.
Comment: This variant is considered benign. This variant is a silent/synonymous amino acid change and it is not expected to impact splicing.

Labcorp Genetics (formerly Invitae), Labcorp
Classification: Likely benign for Peutz-Jeghers syndrome. Last evaluated: 2021-08-30. Review status: criteria provided, single submitter. Criteria: Invitae Variant Classification Sherloc (09022015). Collection method: clinical testing. Allele origin: germline.

Ambry Genetics
Classification: Likely benign for Hereditary cancer-predisposing syndrome. Last evaluated: 2019-11-25. Review status: criteria provided, single submitter. Criteria: Ambry Variant Classification Scheme 2023. Collection method: clinical testing. Allele origin: germline.

Color Diagnostics, LLC DBA Color Health
Classification: Likely benign for Hereditary cancer-predisposing syndrome. Last evaluated: 2019-03-12. Review status: criteria provided, single submitter. Criteria: ACMG Guidelines, 2015. Collection method: clinical testing. Allele origin: germline.